The following is an entry in ClinVar:

NM_018723.4(RBFOX1):c.604G>A (p.Val202Ile)

Gene: RBFOX1 (RNA binding fox-1 homolog 1; plus strand). Cytogenetic location: 16p13.3.
Variant type: single nucleotide variant.
Coding change: c.604G>A on transcript NM_018723.4 (MANE Select); coding-DNA position 604, G replaced by A.
Protein change: p.Val202Ile; replaces valine 202 with isoleucine.
Molecular consequence: missense variant.
Genome position (GRCh38, 1-based): chr16:7,597,413, G>A. VCF-style: chr16-7597413-G-A. GRCh37 (hg19) VCF-style: chr16-7647415-G-A.
Other names: c.604G>A, p.Val202Ile (NM_001142333.2, NM_001142334.2, NM_001364800.2); c.733G>A, p.Val245Ile (NM_001308117.1); c.664G>A, p.Val222Ile (NM_145891.3, NM_145892.3, NM_145893.3); short protein forms V202I, V222I, V245I.
Identifiers: ClinVar variation 1362558 (VCV001362558.8), dbSNP rs774774269, ClinGen allele CA7891564.

ClinVar aggregate classification (germline): Uncertain significance (1 of 4 stars; one submission).

Conditions:
Idiopathic generalized epilepsy. Also called: EIG; Generalised epilepsy. Identifiers: MedGen C0270850, MONDO:0005579, OMIM 600669.

Allele frequency attached by ClinVar (database versions not stated): gnomAD 0.00001 and 0.00003; gnomAD exomes 0.00006; TOPMed 0.00006; ExAC 0.00007.

Submission:

Labcorp Genetics (formerly Invitae), Labcorp
Classification: Uncertain significance for Idiopathic generalized epilepsy. Last evaluated: 2025-07-09. Review status: criteria provided, single submitter. Criteria: Invitae Variant Classification Sherloc (09022015). Collection method: clinical testing. Allele origin: germline.
Comment: This sequence change replaces valine, which is neutral and non-polar, with isoleucine, which is neutral and non-polar, at codon 222 of the RBFOX1 protein (p.Val222Ile). This variant is present in population databases (rs774774269, gnomAD 0.02%). This variant has not been reported in the literature in individuals affected with RBFOX1-related conditions. ClinVar contains an entry for this variant (Variation ID: 1362558). Invitae Evidence Modeling of protein sequence and biophysical properties (such as structural, functional, and spatial information, amino acid conservation, physicochemical variation, residue mobility, and thermodynamic stability) indicates that this missense variant is not expected to disrupt RBFOX1 protein function with a negative predictive value of 80%. In summary, the available evidence is currently insufficient to determine the role of this variant in disease. Therefore, it has been classified as a Variant of Uncertain Significance.